The following is an entry in ClinVar:

ClinVar aggregate classification (germline): Likely benign. Review status: criteria provided, multiple submitters, no conflicts (2 of 4 stars). 3 submissions from 3 submitters: Likely benign (2). 1 of the submissions does not count toward it. Last evaluated 2019-12-31.

Conditions:
LRP1B-related disorder. Also called: LRP1B-related condition.

Allele frequency attached by ClinVar (database versions not stated): gnomAD 0.00197 and 0.00194; ExAC 0.00199; 1000 Genomes Project 30x 0.00203; 1000 Genomes Project 0.00240; gnomAD exomes 0.00254 and 0.00201; ESP Exome Variant Server 0.00215; TOPMed 0.00194.
gnomAD v4.1: 3,969 of 1,611,344 alleles (0.25%); highest among the groups gnomAD compares: Admixed American, 0.35%; 8 homozygotes.

Submissions (3):

Labcorp Genetics (formerly Invitae), Labcorp
Classification: Likely benign. Last evaluated: 2019-12-31. Review status: criteria provided, single submitter. Criteria: Invitae Variant Classification Sherloc (09022015). Collection method: clinical testing. Allele origin: germline.

Breakthrough Genomics
Classification: Likely benign. Review status: criteria provided, single submitter. Criteria: ACMG Guidelines, 2015. Collection method: not provided. Allele origin: germline. Inheritance: Unknown mechanism. Affected: yes.

PreventionGenetics, part of Exact Sciences
Classification: Benign for LRP1B-related condition. Last evaluated: 2019-03-20. Review status: no assertion criteria provided. Collection method: clinical testing. Allele origin: germline. Not counted in ClinVar's aggregate classification.
Comment: This variant is classified as benign based on ACMG/AMP sequence variant interpretation guidelines (Richards et al. 2015 PMID: 25741868, with internal and published modifications).

NM_018557.3(LRP1B):c.1907G>A (p.Arg636Gln)

Gene: LRP1B (LDL receptor related protein 1B; minus strand). Cytogenetic location: 2q22.1.
Variant type: single nucleotide variant.
Coding change: c.1907G>A on transcript NM_018557.3 (MANE Select); coding-DNA position 1907, G replaced by A.
Protein change: p.Arg636Gln; replaces arginine 636 with glutamine.
Molecular consequence: missense variant.
Genome position (GRCh38, 1-based): chr2:141,019,985, C>T on the plus strand (G>A on the coding strand, the complement: LRP1B is on the minus strand). VCF-style: chr2-141019985-C-T. GRCh37 (hg19) VCF-style: chr2-141777554-C-T.
Other names: short protein forms R636Q.
Identifiers: ClinVar variation 783119 (VCV000783119.7), dbSNP rs77234491, ClinGen allele CA1895891.